The following is an entry in ClinVar:

NM_052865.4(MGME1):c.114G>A (p.Lys38=)

Genes: MGME1 (mitochondrial genome maintenance exonuclease 1; plus strand), LOC126862983 (CDK7 strongly-dependent group 2 enhancer GRCh37_chr20:17950167-17951366; plus strand). Cytogenetic location: 20p11.23.
Variant type: single nucleotide variant.
Coding change: c.114G>A on transcript NM_052865.4 (MANE Select); coding-DNA position 114, G replaced by A.
Protein change: p.Lys38=; no amino-acid change (lysine 38 retained).
Molecular consequence: synonymous variant.
Genome position (GRCh38, 1-based): chr20:17,969,973, G>A. VCF-style: chr20-17969973-G-A. GRCh37 (hg19) VCF-style: chr20-17950616-G-A.
Other names: c.114G>A, p.Lys38= (NM_001310338.2, NM_001310339.2, NM_001363738.2).
Identifiers: ClinVar variation 385442 (VCV000385442.49), dbSNP rs142670810, ClinGen allele CA9774884.

ClinVar aggregate classification (germline): Likely benign. Review status: criteria provided, multiple submitters, no conflicts (2 of 4 stars). 6 submissions from 6 submitters: Likely benign (5). 1 of the submissions does not count toward it. Last evaluated 2026-02-02.

Conditions:
MGME1-related disorder. Also called: MGME1-related condition.

Allele frequency attached by ClinVar (database versions not stated): 1000 Genomes Project 30x 0.00031; 1000 Genomes Project 0.00040; TOPMed 0.00069; gnomAD 0.00072 and 0.00075; ExAC 0.00087; gnomAD exomes 0.00091 and 0.00102; ESP Exome Variant Server 0.00115.
gnomAD v4.1: 1,595 of 1,614,092 alleles (0.099%); highest among the groups gnomAD compares: Non-Finnish European, 0.11%; 3 homozygotes.

Submissions (6):

Labcorp Genetics (formerly Invitae), Labcorp
Classification: Likely benign. Last evaluated: 2026-02-02. Review status: criteria provided, single submitter. Criteria: Invitae Variant Classification Sherloc (09022015). Collection method: clinical testing. Allele origin: germline.

CeGaT Center for Human Genetics Tuebingen
Classification: Likely benign. Last evaluated: 2025-04-01. Review status: criteria provided, single submitter. Criteria: CeGaT Center For Human Genetics Tuebingen Variant Classification Criteria Version 2. Collection method: clinical testing. Allele origin: germline. Affected: yes. Observed: 2 variant alleles.
Comment: MGME1: BP4, BP7

Blueprint Genetics
Classification: Likely benign. Last evaluated: 2024-10-30. Review status: criteria provided, single submitter. Criteria: ACMG Guidelines, 2015. Collection method: clinical testing. Allele origin: germline.

GeneDx
Classification: Likely benign. Last evaluated: 2020-09-08. Review status: criteria provided, single submitter. Criteria: GeneDx Variant Classification Process June 2021. Collection method: clinical testing. Allele origin: germline. Affected: yes.

Breakthrough Genomics
Classification: Likely benign. Review status: criteria provided, single submitter. Criteria: ACMG Guidelines, 2015. Collection method: not provided. Allele origin: germline. Inheritance: Autosomal recessive inheritance. Affected: yes.

PreventionGenetics, part of Exact Sciences
Classification: Likely benign for MGME1-related condition. Last evaluated: 2019-11-05. Review status: no assertion criteria provided. Collection method: clinical testing. Allele origin: germline. Not counted in ClinVar's aggregate classification.
Comment: This variant is classified as likely benign based on ACMG/AMP sequence variant interpretation guidelines (Richards et al. 2015 PMID: 25741868, with internal and published modifications).